The following is an entry in ClinVar:

NM_001164508.2(NEB):c.24625dup (p.Thr8209fs)

Genes: NEB (nebulin; minus strand), RIF1 (replication timing regulatory factor 1; plus strand). Cytogenetic location: 2q23.3.
Variant type: Duplication.
Coding change: c.24625dup on transcript NM_001164508.2 (MANE Select); coding-DNA position 24625, one base duplicated (A; older notation c.24625dupA).
Protein change: p.Thr8209fs; shifts the reading frame from threonine 8209.
Molecular consequence: frameshift variant.
Genome position (GRCh38, 1-based): chr2:151,493,822, T duplicated on the plus strand (A on the coding strand, the reverse complement: NEB is on the minus strand). VCF-style (leftmost placement, unchanged base first): chr2-151493821-G-GT. GRCh37 (hg19) VCF-style: chr2-152350335-G-GT.
Other names: c.24625dup, p.Thr8209fs (NM_001164507.2); c.24730dup, p.Thr8244fs (NM_001271208.2); c.19057dup, p.Thr6353fs (NM_004543.5); short protein forms T6353fs, T8209fs, T8244fs.
Identifiers: ClinVar variation 5015636 (VCV005015636.1).
Genomic context (GRCh38, chr2:151,493,821, plus strand): 5'-CCTTTCTAAAATACCGAGCTAAAGTTTTCTTGATTGCGTTTCACTCTTTCCATCTCAGGA[G>GT]TAAAGGGTGTGGGGGTTGCTTTCCCCAGGTTCTCTTTGTATAACACCTGTGAGATACAAA-3'

ClinVar aggregate classification (germline): Pathogenic (1 of 4 stars; one submission).

Conditions:
Nemaline myopathy 2 (NEM2). Also called: Nemaline myopathy 2, autosomal recessive. Identifiers: MedGen C1850569, MONDO:0009725, OMIM 256030.

Submission:

Myriad Genetics, Inc.
Classification: Pathogenic for Nemaline myopathy 2. Last evaluated: 2026-03-04. Review status: criteria provided, single submitter. Criteria: Myriad Autosomal Dominant, Autosomal Recessive and X-Linked Classification Criteria (2023). Collection method: clinical testing. Allele origin: unknown.
Comment: NM_001271208.1(NEB):c.24730dupA(T8244Nfs*3) is expected to be pathogenic in the context of NEB-related nemaline myopathy. This variant is predicted to lead to an abnormal or absent protein product due to the creation of a premature termination codon in NEB, a gene where loss-of-function variants are known to be pathogenic. Please note: this variant was assessed in the context of healthy population screening.